The following is an entry in ClinVar:

NM_014946.4(SPAST):c.1685G>A (p.Arg562Gln)

Gene: SPAST (spastin; plus strand). Cytogenetic location: 2p22.3.
Variant type: single nucleotide variant.
Coding change: c.1685G>A on transcript NM_014946.4 (MANE Select); coding-DNA position 1685, G replaced by A.
Protein change: p.Arg562Gln; replaces arginine 562 with glutamine.
Molecular consequence: missense variant. On other transcripts: intron variant (1).
Genome position (GRCh38, 1-based): chr2:32,145,005, G>A. VCF-style: chr2-32145005-G-A. GRCh37 (hg19) VCF-style: chr2-32370074-G-A.
Other names: c.1682G>A, p.Arg561Gln (NM_001363823.2); c.1586G>A, p.Arg529Gln (NM_001363875.2); c.1589G>A, p.Arg530Gln (NM_199436.2); c.1520+1590G>A (NM_001377959.1); short protein forms R562Q, R530Q, R561Q, R529Q.
Identifiers: ClinVar variation 217004 (VCV000217004.63), dbSNP rs863224923, ClinGen allele CA278930.
Genomic context (GRCh38, chr2:32,145,005, plus strand): 5'-ATGGATACTCAGGAAGTGACCTAACAGCTTTGGCAAAAGATGCAGCACTGGGTCCTATCC[G>A]AGGTAGGTATACAAGAGCTTAAAACATTTAGAACTATTTATTATACCACCTTAGAAGTTT-3'
Protein context (NP_055761.2, residues 552-572): LAKDAALGPI[Arg562Gln]ELKPEQVKNM

ClinVar aggregate classification (germline): Pathogenic/Likely pathogenic. Review status: criteria provided, multiple submitters, no conflicts (2 of 4 stars). 12 submissions from 12 submitters: Pathogenic (6); Likely pathogenic (6). Last evaluated 2025-08-24.

Conditions:
SPAST-related disorder. Also called: SPAST-related condition.
Hereditary spastic paraplegia. Also called: Familial spastic paraparesis. Identifiers: Orphanet 685, MedGen C0037773, MONDO:0019064. Disease mechanism: loss of function.
Hereditary spastic paraplegia 4. Also called: Spastic Paraplegia 4; Spastic paraplegia 4, autosomal dominant; Familial spastic paraplegia autosomal dominant 2. Identifiers: Orphanet 100985, MedGen C1866855, MONDO:0008438, OMIM 182601.

Allele frequency attached by ClinVar (database versions not stated): gnomAD exomes below 0.00001; TOPMed below 0.00001; gnomAD 0.00001.
gnomAD v4.1: 2 of 1,607,838 alleles (0.00012%); highest among the groups gnomAD compares: Non-Finnish European, 0.00017%; no homozygotes.

Submissions (12):

Labcorp Genetics (formerly Invitae), Labcorp
Classification: Pathogenic for Hereditary spastic paraplegia 4. Last evaluated: 2025-08-24. Review status: criteria provided, single submitter. Criteria: Invitae Variant Classification Sherloc (09022015). Collection method: clinical testing. Allele origin: germline.
Comment: This sequence change replaces arginine, which is basic and polar, with glutamine, which is neutral and polar, at codon 562 of the SPAST protein (p.Arg562Gln). This variant is not present in population databases (gnomAD no frequency). This missense change has been observed in individuals with hereditary spastic paraplegia (PMID: 11843700, 17971434, 19423133, 25326637, 27334366). Invitae Evidence Modeling of clinical and family history, age, sex, and reported ancestry of multiple individuals with this SPAST variant has been performed. This variant is expected to be pathogenic with a positive predictive value of at least 99%. This is a validated machine learning model that incorporates the clinical features of 4,195 individuals referred to our laboratory for SPAST testing. ClinVar contains an entry for this variant (Variation ID: 217004). An algorithm developed to predict the effect of missense changes on protein structure and function (PolyPhen-2) suggests that this variant is likely to be tolerated. This variant disrupts the p.Arg562 amino acid residue in SPAST. Other variant(s) that disrupt this residue have been determined to be pathogenic (PMID: 15248095; internal data). This suggests that this residue is clinically significant, and that variants that disrupt this residue are likely to be disease-causing. For these reasons, this variant has been classified as Pathogenic.

Institute of Medical Genetics and Applied Genomics, University Hospital Tübingen
Classification: Likely pathogenic for Hereditary spastic paraplegia 4. Last evaluated: 2024-11-12. Review status: criteria provided, single submitter. Criteria: ACMG Guidelines, 2015. Collection method: clinical testing. Allele origin: germline. Inheritance: Autosomal dominant inheritance. Affected: yes.

Mayo Clinic Laboratories, Mayo Clinic
Classification: Pathogenic. Last evaluated: 2024-03-01. Review status: criteria provided, single submitter. Criteria: ACMG Guidelines, 2015. Collection method: clinical testing. Allele origin: germline. Observed: 2 variant alleles.
Comment: PP3, PM1, PM2_moderate, PM5, PS4

Blueprint Genetics
Classification: Pathogenic for SPAST-related disorders. Last evaluated: 2023-01-17. Review status: criteria provided, single submitter. Criteria: ACMG Guidelines, 2015. Collection method: clinical testing. Allele origin: germline. Affected: yes. Observed: 3 variant alleles.

PreventionGenetics, part of Exact Sciences
Classification: Pathogenic for SPAST-related condition. Last evaluated: 2022-09-15. Review status: criteria provided, single submitter. Criteria: ACMG Guidelines, 2015. Collection method: clinical testing. Allele origin: germline.
Comment: The SPAST c.1685G>A variant is predicted to result in the amino acid substitution p.Arg562Gln. This variant (also known as G1810A, R562Q) was reported in multiple individual with autosomal dominant hereditary spastic paraplegia (Table 3, Meijer et al 2002. PubMed ID: 11843700; Supplemental Table e2, Lee et al 2014. PubMed ID: 25326637; Table 1, Orlacchio et al. 2008. PubMed ID: 17971434; Table 1, Svenstrup et al 2009. PubMed ID: 19423133). This variant has not been reported in a large population database, indicating this variant is rare. This variant is interpreted as pathogenic.

Genome Diagnostics Laboratory, The Hospital for Sick Children
Classification: Likely pathogenic for Hereditary spastic paraplegia. Last evaluated: 2020-01-01. Review status: criteria provided, single submitter. Criteria: ACMG Guidelines, 2015. Collection method: clinical testing. Allele origin: germline. Affected: yes.

CeGaT Center for Human Genetics Tuebingen
Classification: Likely pathogenic. Last evaluated: 2019-10-01. Review status: criteria provided, single submitter. Criteria: CeGaT Center For Human Genetics Tuebingen Variant Classification Criteria Version 2. Collection method: clinical testing. Allele origin: germline. Affected: yes. Observed: 1 variant allele.

GeneDx
Classification: Likely pathogenic. Last evaluated: 2019-09-30. Review status: criteria provided, single submitter. Criteria: GeneDx Variant Classification Process June 2021. Collection method: clinical testing. Allele origin: germline. Affected: yes.
Comment: Different missense changes at this residue (R562G, R562P) has been reported in the published literature (Svenson et al., 2004; de Bot et al., 2010); In silico analysis, which includes protein predictors and evolutionary conservation, supports a deleterious effect; Not observed in large population cohorts (Lek et al., 2016); The majority of missense variants in this gene are considered pathogenic (Stenson et al., 2014); This variant is associated with the following publications: (PMID: 29934652, 24451228, 22552817, 25326637, 11843700, 19423133)

Fulgent Genetics
Classification: Likely pathogenic for Hereditary spastic paraplegia 4. Last evaluated: 2018-10-31. Review status: criteria provided, single submitter. Criteria: ACMG Guidelines, 2015. Collection method: clinical testing. Allele origin: unknown.

UCLA Clinical Genomics Center, UCLA
Classification: Pathogenic for Spastic paraplegia 4, autosomal dominant. Last evaluated: 2014-06-24. Review status: criteria provided, single submitter. Criteria: Lee et al. (JAMA. 2014). Collection method: clinical testing. Allele origin: unknown. Inheritance: Autosomal dominant inheritance. Affected: yes. Study: CES.

Institute of Human Genetics, University Hospital of Duesseldorf
Classification: Pathogenic for Hereditary spastic paraplegia 4. Review status: criteria provided, single submitter. Criteria: ACMG Guidelines, 2015. Collection method: not provided. Allele origin: germline. Inheritance: Autosomal dominant inheritance. Affected: yes.

Juno Genomics, Hangzhou Juno Genomics, Inc
Classification: Likely pathogenic for Hereditary spastic paraplegia 4. Review status: criteria provided, single submitter. Criteria: ACMG Guidelines, 2015. Collection method: clinical testing. Allele origin: germline.
Comment: Absent from controls (or at extremely low frequency if recessive) in Genome Aggregation Database.;Multiple lines of computational evidence support a deleterious effect on the gene or gene product.;The prevalence of the variant in affected individuals is significantly increased compared to the prevalence in controls.;Patient's phenotype or family history is highly specific for a disease with a single genetic etiology.

Literature cited by the submitters: PubMed 11843700 (cited by Labcorp Genetics (formerly Invitae), Labcorp); PubMed 17971434 (cited by Labcorp Genetics (formerly Invitae), Labcorp); PubMed 19423133 (cited by Labcorp Genetics (formerly Invitae), Labcorp); PubMed 25326637 (cited by Labcorp Genetics (formerly Invitae), Labcorp); PubMed 27334366 (cited by Labcorp Genetics (formerly Invitae), Labcorp); PubMed 15248095 (cited by Labcorp Genetics (formerly Invitae), Labcorp); PubMed 30476002 (cited by Mayo Clinic Laboratories, Mayo Clinic); PubMed 35487127 (cited by Mayo Clinic Laboratories, Mayo Clinic).